The following is an entry in ClinVar:

ClinVar aggregate classification (germline): Uncertain significance. Review status: criteria provided, multiple submitters, no conflicts (2 of 4 stars). 2 submissions from 2 submitters: Uncertain significance (2). Last evaluated 2026-09-08.

Conditions:
Fabry disease. Also called: Fabry's disease; Angiokeratoma corporis diffusum; CERAMIDE TRIHEXOSIDASE DEFICIENCY; GLA DEFICIENCY; HEREDITARY DYSTOPIC LIPIDOSIS; ALPHA-GALACTOSIDASE A DEFICIENCY. Identifiers: Orphanet 324, MedGen C0002986, MONDO:0010526, OMIM 301500, HP:0001071. Disease mechanism: loss of function, Fabry disease is due to inactivating mutations in the X-linked GLA gene resulting in deficiency of the enzyme Alpha Galactosidase-A..

Allele frequency attached by ClinVar (database versions not stated): TOPMed below 0.00001; ExAC 0.00001; gnomAD 0.00001.

Submissions (2):

Genomenon, Inc
Classification: Uncertain significance for Fabry disease. Last evaluated: 2026-09-08. Review status: criteria provided, single submitter. Criteria: Genomenon Sequence Variant Interpretation Standards - Updated. Collection method: curation. Allele origin: germline. Affected: no.
Comment: GLA c.-7C>T is a variant located in the 5′ untranslated region (5′ UTR). This variant has been reported in the published literature (PMID:39336803). It is absent or not present at a significant frequency in gnomAD. In conclusion, we classify GLA c.-7C>T as a variant of uncertain significance.

Color Diagnostics, LLC DBA Color Health
Classification: Uncertain significance for Fabry disease. Last evaluated: 2019-09-04. Review status: criteria provided, single submitter. Criteria: ACMG Guidelines, 2015. Collection method: clinical testing. Allele origin: germline.
Comment: This variant is located in the 5' untranslated region of the GLA gene. To our knowledge, functional studies have not been performed for this variant. This variant has not been reported in individuals affected with cardiovascular disorders in the literature. This variant has been identified in 1/21879 chromosomes in the general population by the Genome Aggregation Database (gnomAD). The available evidence is insufficient to determine the role of this variant in disease conclusively. Therefore, this variant is classified as a Variant of Uncertain Significance.

Literature cited by the submitters: PubMed 39336803 (cited by Genomenon, Inc).

NM_000169.3(GLA):c.-7C>T

Genes: RPL36A-HNRNPH2 (RPL36A-HNRNPH2 readthrough; plus strand), GLA (galactosidase alpha; minus strand). Cytogenetic location: Xq22.1.
Variant type: single nucleotide variant.
Coding change: c.-7C>T on transcript NM_000169.3 (MANE Select); 7 bases upstream of the start codon, C replaced by T.
Molecular consequence: 5 prime UTR variant. On other transcripts: non-coding transcript variant (3), intron variant (2).
Genome position (GRCh38, 1-based): chrX:101,407,910, G>A on the plus strand (C>T on the coding strand, the complement: GLA is on the minus strand). VCF-style: chrX-101407910-G-A. GRCh37 (hg19) VCF-style: chrX-100662898-G-A.
Other names: c.-7C>T (NM_001406747.1, NM_001406748.1, NM_001406749.1); c.301-4026G>A (NM_001199973.2); c.178-4026G>A (NM_001199974.2).
Identifiers: ClinVar variation 927899 (VCV000927899.5), dbSNP rs782637185, ClinGen allele CA032052.